The following is an entry in ClinVar:

ClinVar aggregate classification (germline): Pathogenic. Review status: reviewed by expert panel (3 of 4 stars). 7 submissions from 7 submitters: Pathogenic (1). 6 of the submissions do not count toward it. Last evaluated 2016-09-08.

Conditions:
Hereditary cancer-predisposing syndrome. Also called: Tumor predisposition; Neoplastic Syndromes, Hereditary; Hereditary Cancer Syndrome; Hereditary neoplastic syndrome. Identifiers: Orphanet 140162, MedGen C0027672, MeSH D009386, MONDO:0015356.
Hereditary breast ovarian cancer syndrome. Also called: Hereditary breast and ovarian cancer syndrome (HBOC); Hereditary breast and ovarian cancer syndrome; Hereditary breast and ovarian cancer; Hereditary breast and/or ovarian cancer syndrome; Breast and ovarian cancer; BRCA1- and BRCA2-Associated Hereditary Breast and Ovarian Cancer. Identifiers: Orphanet 145, MedGen C0677776, MeSH D061325, MONDO:0003582. Disease mechanism: loss of function.
Breast-ovarian cancer, familial, susceptibility to, 1 (BROVCA1). Also called: OVARIAN CANCER, SUSCEPTIBILITY TO; BRCA1 Hereditary Breast and Ovarian Cancer. Identifiers: Orphanet 145, MedGen C2676676, MONDO:0011450, OMIM 604370. Disease mechanism: loss of function.

Submissions (7):

Evidence-based Network for the Interpretation of Germline Mutant Alleles (ENIGMA)
Classification: Pathogenic for Breast-ovarian cancer, familial, susceptibility to, 1. Last evaluated: 2016-09-08. Review status: reviewed by expert panel. Criteria: ENIGMA BRCA1/2 Classification Criteria (2015). Collection method: curation. Allele origin: germline.
Comment: Variant allele predicted to encode a truncated non-functional protein.

Ambry Genetics
Classification: Pathogenic for Hereditary cancer-predisposing syndrome. Last evaluated: 2022-06-27. Review status: criteria provided, single submitter. Criteria: Ambry Variant Classification Scheme 2023. Collection method: clinical testing. Allele origin: germline. Not counted in ClinVar's aggregate classification.
Comment: The c.2702_2703delTT pathogenic mutation, located in coding exon 9 of the BRCA1 gene, results from a deletion of two nucleotides at nucleotide positions 2702 to 2703, causing a translational frameshift with a predicted alternate stop codon (p.F901*). This alteration has been identified in individuals diagnosed with breast and/or ovarian cancer (Risch HA et al. Am J Hum Genet, 2001 Mar;68:700-10; Zhao Q et al. J Gynecol Oncol, 2017 Jul;28:e39; Shao D et al. Cancer Sci, 2020 Feb;111:647-657). This alteration was also identified in a large, worldwide study of BRCA1/2 mutation positive families (Rebbeck TR et al. Hum Mutat, 2018 05;39:593-620). Of note, this alteration is also known as 2819delTT in published literature. This variant is considered to be rare based on population cohorts in the Genome Aggregation Database (gnomAD). This alteration is expected to result in loss of function by premature protein truncation or nonsense-mediated mRNA decay. As such, this alteration is interpreted as a disease-causing mutation.

Labcorp Genetics (formerly Invitae), Labcorp
Classification: Pathogenic for Hereditary breast ovarian cancer syndrome. Last evaluated: 2021-08-15. Review status: criteria provided, single submitter. Criteria: Invitae Variant Classification Sherloc (09022015). Collection method: clinical testing. Allele origin: germline. Not counted in ClinVar's aggregate classification.
Comment: For these reasons, this variant has been classified as Pathogenic. Loss-of-function variants in BRCA1 are known to be pathogenic (PMID: 20104584). This variant has been observed in individual(s) with ovarian cancer (PMID: 11179017, 28541631). This variant is also known as c.2819delTT in the literature. ClinVar contains an entry for this variant (Variation ID: 54653). This variant is not present in population databases (ExAC no frequency). This sequence change creates a premature translational stop signal (p.Phe901*) in the BRCA1 gene. It is expected to result in an absent or disrupted protein product.

Department of Pathology and Molecular Medicine, Queen's University
Classification: Pathogenic for Hereditary breast ovarian cancer syndrome. Last evaluated: 2017-04-20. Review status: criteria provided, single submitter. Criteria: ACMG Guidelines, 2015. Collection method: clinical testing. Allele origin: germline. Study: The Canadian Open Genetics Repository (COGR). Not counted in ClinVar's aggregate classification.

Consortium of Investigators of Modifiers of BRCA1/2 (CIMBA), c/o University of Cambridge
Classification: Pathogenic for Breast-ovarian cancer, familial, susceptibility to, 1. Last evaluated: 2015-10-02. Review status: criteria provided, single submitter. Criteria: CIMBA Mutation Classification guidelines May 2016. Collection method: clinical testing. Allele origin: germline. Not counted in ClinVar's aggregate classification.

Research Molecular Genetics Laboratory, Women's College Hospital, University of Toronto
Classification: Pathogenic for Hereditary breast ovarian cancer syndrome. Last evaluated: 2014-01-31. Review status: no assertion criteria provided. Collection method: research. Allele origin: germline. Affected: yes. Study: The Canadian Open Genetics Repository (COGR). Not counted in ClinVar's aggregate classification.

Breast Cancer Information Core (BIC) (BRCA1)
Classification: Pathogenic for Breast-ovarian cancer, familial 1. Last evaluated: 2002-05-29. Review status: no assertion criteria provided. Collection method: clinical testing. Allele origin: germline. Affected: yes. Observed: 2 variant alleles. Not counted in ClinVar's aggregate classification.

Literature cited by the submitters: PubMed 11179017 (cited by Ambry Genetics and Labcorp Genetics (formerly Invitae), Labcorp); PubMed 28541631 (cited by Ambry Genetics and Labcorp Genetics (formerly Invitae), Labcorp); PubMed 29446198 (cited by Ambry Genetics); PubMed 31742824 (cited by Ambry Genetics); PubMed 20104584 (cited by Labcorp Genetics (formerly Invitae), Labcorp).

NM_007294.4(BRCA1):c.2702_2703del (p.Thr900_Phe901insTer)

Gene: BRCA1 (BRCA1 DNA repair associated; minus strand). Cytogenetic location: 17q21.31.
Variant type: Deletion.
Coding change: c.2702_2703del on transcript NM_007294.4 (MANE Select); coding-DNA positions 2702 to 2703, 2 bases deleted (TT; older notation c.2702_2703delTT).
Protein change: p.Thr900_Phe901insTer.
Molecular consequence: nonsense. On other transcripts: frameshift variant (1), intron variant (137).
Genome position (GRCh38, 1-based): chr17:43,092,828-43,092,829, AA deleted on the plus strand (TT on the coding strand, the reverse complement: BRCA1 is on the minus strand); deleting any 2 consecutive bases within chr17:43,092,828-43,092,831 gives the same sequence; the c. name uses the placement nearest the transcript's 3' end. VCF-style (leftmost placement, unchanged base first): chr17-43092827-CAA-C. GRCh37 (hg19) VCF-style: chr17-41244844-CAA-C.
Other names: 2819delTT; c.2700_2701delTT (NM_007300.3); c.2702_2703delTT (NM_007294.3); c.2489_2490del, p.Thr829_Phe830insTer (NM_001407571.1, NM_001407853.1, NM_001407894.1 and 9 more transcripts); c.2702_2703del, p.Thr900_Phe901insTer (NM_001407581.1, NM_001407582.1, NM_001407583.1 and 30 more transcripts); c.2699_2700del, p.Thr899_Phe900insTer (NM_001407587.1, NM_001407590.1, NM_001407591.1 and 22 more transcripts); c.2693_2694del, p.Thr897_Phe898insTer (NM_001407646.1, NM_001407647.1); c.2579_2580del, p.Thr859_Phe860insTer (NM_001407648.1, NM_001407664.1, NM_001407665.1 and 19 more transcripts); and 44 more.
Identifiers: ClinVar variation 54653 (VCV000054653.16), dbSNP rs80357899, ClinGen allele CA001778.
Genomic context (GRCh38, chr17:43,092,827, plus strand): 5'-TCTGTACAGGCTTGATATTAGACTCATTCTTTCCTTGATTTTCTTCCTTTTGTTCACATT[CAA>C]AAGTGACTTTTGGACTTTGTTTCTTTAAGGACCCAGAGTGGGCAGAGAATGTTGCACATT-3'